The following is an entry in ClinVar:

NM_001378457.1(DMXL2):c.4244A>G (p.Asp1415Gly)

Gene: DMXL2 (Dmx like 2; minus strand). Cytogenetic location: 15q21.2.
Variant type: single nucleotide variant.
Coding change: c.4244A>G on transcript NM_001378457.1 (MANE Select); coding-DNA position 4244, A replaced by G.
Protein change: p.Asp1415Gly; replaces aspartic acid 1415 with glycine.
Molecular consequence: missense variant. On other transcripts: non-coding transcript variant (2), intron variant (2).
Genome position (GRCh38, 1-based): chr15:51,498,980, T>C on the plus strand (A>G on the coding strand, the complement: DMXL2 is on the minus strand). VCF-style: chr15-51498980-T-C. GRCh37 (hg19) VCF-style: chr15-51791177-T-C.
Other names: c.4244A>G, p.Asp1415Gly (NM_001174116.3, NM_001378458.1, NM_001378459.1 and 4 more transcripts); c.4004A>G, p.Asp1335Gly (NM_001378464.1); c.2765-7233A>G (NM_001378460.1); c.2765-3846A>G (NM_001174117.3); short protein forms D1335G, D1415G.
Identifiers: ClinVar variation 2501835 (VCV002501835.17), dbSNP rs770608099, ClinGen allele CA7562049.
Genomic context (GRCh38, chr15:51,498,980, plus strand): 5'-AGTAATGCATATAGTGGTAGTGGAGGGATAGAATCTATCTCAGTATAATCTCGAGTACCA[T>C]CTTTTCCTACGGTGACTGTTTCCTTTGCTGTACTGCCACTTACACTAATAGTTCGAGAGA-3'
Protein context (NP_001365386.1, residues 1405-1425): TAKETVTVGK[Asp1415Gly]GTRDYTEIDS

ClinVar aggregate classification (germline): Uncertain significance. Review status: criteria provided, multiple submitters, no conflicts (2 of 4 stars). 3 submissions from 3 submitters: Uncertain significance (3). Last evaluated 2025-01-17.

Conditions:
Inborn genetic diseases. Identifiers: MedGen C0950123, MeSH D030342.

Allele frequency attached by ClinVar (database versions not stated): gnomAD exomes 0.00002.
gnomAD v4.1: 15 of 1,614,086 alleles (0.00093%); highest among the groups gnomAD compares: South Asian, 0.013%; no homozygotes.

Submissions (3):

Ambry Genetics
Classification: Uncertain significance for Inborn genetic diseases. Last evaluated: 2025-01-17. Review status: criteria provided, single submitter. Criteria: Ambry Variant Classification Scheme 2023. Collection method: clinical testing. Allele origin: germline.

CeGaT Center for Human Genetics Tuebingen
Classification: Uncertain significance. Last evaluated: 2024-11-01. Review status: criteria provided, single submitter. Criteria: CeGaT Center For Human Genetics Tuebingen Variant Classification Criteria Version 2. Collection method: clinical testing. Allele origin: germline. Affected: yes. Observed: 1 variant allele.
Comment: DMXL2: PM2

GeneDx
Classification: Uncertain significance. Last evaluated: 2024-10-04. Review status: criteria provided, single submitter. Criteria: GeneDx Variant Classification Process June 2021. Collection method: clinical testing. Allele origin: germline.
Comment: In silico analysis supports that this missense variant has a deleterious effect on protein structure/function; Has not been previously published as pathogenic or benign to our knowledge